The following is an entry in ClinVar:

ClinVar aggregate classification (germline): Uncertain significance. Review status: criteria provided, multiple submitters, no conflicts (2 of 4 stars). 2 submissions from 2 submitters: Uncertain significance (2). Last evaluated 2026-03-16.

Submissions (2):

Ambry Genetics
Classification: Uncertain significance. Last evaluated: 2026-03-16. Review status: criteria provided, single submitter. Criteria: Ambry Variant Classification Scheme 2023. Collection method: clinical testing. Allele origin: germline.
Comment: The c.7541G>A (p.G2514E) alteration is located in coding exon 55 of the ITPR3 gene. This alteration results from a G to A substitution at nucleotide position 7541, causing the glycine (G) at amino acid position 2514 to be replaced by a glutamic acid (E). This variant was not reported in population-based cohorts in the Genome Aggregation Database (gnomAD). This amino acid position is highly conserved in available vertebrate species. This alteration is predicted to be deleterious by in silico analysis. Based on insufficient or conflicting evidence, the clinical significance of this alteration remains unclear.

CeGaT Center for Human Genetics Tuebingen
Classification: Uncertain significance. Last evaluated: 2025-09-01. Review status: criteria provided, single submitter. Criteria: CeGaT Center For Human Genetics Tuebingen Variant Classification Criteria Version 2. Collection method: clinical testing. Allele origin: germline. Affected: yes. Observed: 1 variant allele.
Comment: ITPR3: PM2, PS2:Moderate, PP3

NM_002224.4(ITPR3):c.7541G>A (p.Gly2514Glu)

Gene: ITPR3 (inositol 1,4,5-trisphosphate receptor type 3; plus strand). Cytogenetic location: 6p21.31.
Variant type: single nucleotide variant.
Coding change: c.7541G>A on transcript NM_002224.4 (MANE Select); coding-DNA position 7541, G replaced by A.
Protein change: p.Gly2514Glu; replaces glycine 2514 with glutamic acid.
Molecular consequence: missense variant.
Genome position (GRCh38, 1-based): chr6:33,692,810, G>A. VCF-style: chr6-33692810-G-A. GRCh37 (hg19) VCF-style: chr6-33660587-G-A.
Other names: c.7541G>A (NM_002224.3); short protein forms G2514E.
Identifiers: ClinVar variation 4281592 (VCV004281592.8).